The following is an entry in ClinVar:

NM_001365276.2(TNXB):c.10776_10780del (p.Asp3592fs)

Genes: TNXB (tenascin XB; minus strand), LOC106780803 (tenascin XB recombination region; plus strand). Cytogenetic location: 6p21.33.
Variant type: Deletion.
Coding change: c.10776_10780del on transcript NM_001365276.2 (MANE Select); coding-DNA positions 10776 to 10780, 5 bases deleted (CACGA; older notation c.10776_10780delCACGA).
Protein change: p.Asp3592fs; shifts the reading frame from aspartic acid 3592.
Molecular consequence: frameshift variant.
Genome position (GRCh38, 1-based): chr6:32,045,153-32,045,157, TCGTG deleted on the plus strand (CACGA on the coding strand, the reverse complement: TNXB is on the minus strand); deleting any 5 consecutive bases within chr6:32,045,153-32,045,159 gives the same sequence; the c. name uses the placement nearest the transcript's 3' end. VCF-style (leftmost placement, unchanged base first): chr6-32045152-TTCGTG-T. GRCh37 (hg19) VCF-style: chr6-32012929-TTCGTG-T.
Other names: c.11517_11521del, p.Asp3839fs (NM_001428335.1); c.10770_10774del, p.Asp3590fs (NM_019105.8); c.63_67del, p.Asp21fs (NM_032470.4); short protein forms D21fs, D3592fs, D3590fs, D3839fs.
Identifiers: ClinVar variation 4996026 (VCV004996026.1).

ClinVar aggregate classification (germline): Likely pathogenic (1 of 4 stars; one submission).

Conditions:
TNXB-related disorder. Also called: TNXB-related condition.

Submission:

PreventionGenetics, part of Exact Sciences
Classification: Likely pathogenic for TNXB-related condition. Last evaluated: 2026-01-07. Review status: criteria provided, single submitter. Criteria: ACMG Guidelines, 2015. Collection method: clinical testing. Allele origin: germline.
Comment: The TNXB c.10770_10774del5 variant is predicted to result in a frameshift and premature protein termination (p.Asp3590Glufs*36). This variant has been reported in the compound heterozygous state with a causative canonical splice variant in the TNXB gene in an individual with autosomal recessive classical-like Ehlers-Danlos syndrome (clEDS) (P4 in Supplementary Table 1, Green et al. 2020. PubMed ID: 32572181). This variant has not been reported in a large population database (gnomAD), indicating this variant is rare. This variant falls within a highly paralogous region. Allele frequency data should be interpreted with caution. This variant is interpreted as likely pathogenic for autosomal recessive classical-like Ehlers-Danlos syndrome (clEDS).